The following is an entry in ClinVar:

ClinVar aggregate classification (germline): Likely benign (0 of 4 stars; one submission).

Conditions:
SLC7A7-related disorder. Also called: SLC7A7-related condition.

Submission:

PreventionGenetics, part of Exact Sciences
Classification: Likely benign for SLC7A7-related condition. Last evaluated: 2020-12-23. Review status: no assertion criteria provided. Collection method: clinical testing. Allele origin: germline.
Comment: This variant is classified as likely benign based on ACMG/AMP sequence variant interpretation guidelines (Richards et al. 2015 PMID: 25741868, with internal and published modifications).

NM_003982.4(SLC7A7):c.1320T>A (p.Thr440=)

Gene: SLC7A7 (solute carrier family 7 member 7; minus strand). Cytogenetic location: 14q11.2.
Variant type: single nucleotide variant.
Coding change: c.1320T>A on transcript NM_003982.4 (MANE Select); coding-DNA position 1320, T replaced by A.
Protein change: p.Thr440=; no amino-acid change (threonine 440 retained).
Molecular consequence: synonymous variant.
Genome position (GRCh38, 1-based): chr14:22,774,042, A>T on the plus strand (T>A on the coding strand, the complement: SLC7A7 is on the minus strand). VCF-style: chr14-22774042-A-T. GRCh37 (hg19) VCF-style: chr14-23243251-A-T.
Other names: c.1320T>A, p.Thr440= (NM_001126105.3, NM_001126106.4).
Identifiers: ClinVar variation 3030547 (VCV003030547.2), dbSNP rs2139383353, ClinGen allele CA485751485.